The following is an entry in ClinVar:

ClinVar aggregate classification (germline): Uncertain significance. Review status: criteria provided, single submitter (1 of 4 stars). 2 submissions from 2 submitters: Uncertain significance (1). 1 of the submissions does not count toward it. Last evaluated 2026-01-15.

Conditions:
Autosomal recessive spinocerebellar ataxia 18. Identifiers: Orphanet 363432, MedGen C4015505, MONDO:0014530, OMIM 616204.

Allele frequency attached by ClinVar (database versions not stated): gnomAD exomes 0.00005 and 0.00001; gnomAD 0.00002; TOPMed 0.00003; ExAC 0.00005.
gnomAD v4.1: 23 of 1,612,558 alleles (0.0014%); highest among the groups gnomAD compares: East Asian, 0.0089%; no homozygotes.

Submissions (2):

3billion
Classification: Uncertain significance for Autosomal recessive spinocerebellar ataxia 18. Last evaluated: 2026-01-15. Review status: criteria provided, single submitter. Criteria: ACMG Guidelines, 2015. Collection method: clinical testing. Allele origin: germline. Affected: yes.
Comment: The variant is observed at an extremely low frequency in the gnomAD v4.1.0 dataset (total allele frequency: 0.001%). Predicted Consequence/Location: Missense variant In silico tool predictions suggest no damaging effect of the variant on gene or gene product [REVEL: 0.26 (<0.4); 3Cnet: 0.00 (<0.1, specificity 0.84 and negative predicitive value 0.97)]. The same nucleotide change resulting in the same amino acid change has been previously reported to be associated with GRID2-related disorder (ClinVar ID: VCV000427806 /PMID: 29207948). However, the evidence of pathogenicity is insufficient at this time. Therefore, this variant is classified as VUS according to the recommendation of ACMG/AMP guideline.

Research Group Niklas Dahl, Uppsala University
Classification: Pathogenic for Autosomal recessive spinocerebellar ataxia 18. Last evaluated: 2017-02-21. Review status: no assertion criteria provided. Collection method: phenotyping only, research. Allele origin: inherited, not applicable. Inheritance: Autosomal recessive inheritance. Affected: yes. Observed: 5 variant alleles, 2 heterozygotes, 3 homozygotes. Clinical features observed: Cerebellar atrophy, Cognitive impairment, Poor speech, Hypotonia. Not counted in ClinVar's aggregate classification.
Comment: Using whole exome sequencing we identified a homozygous missense variant [c.2128C>T, p.(Arg710Trp)] in GRID2 segregating with autosomal recessive childhood onset of slowly progressive cerebellar ataxia and delayed psychomotor development in three siblings.

Literature cited by the submitters: PubMed 29207948 (cited by 3billion).

NM_001510.4(GRID2):c.2128C>T (p.Arg710Trp)

Gene: GRID2 (glutamate ionotropic receptor delta type subunit 2; plus strand). Cytogenetic location: 4q22.2.
Variant type: single nucleotide variant.
Coding change: c.2128C>T on transcript NM_001510.4 (MANE Select); coding-DNA position 2128, C replaced by T.
Protein change: p.Arg710Trp; replaces arginine 710 with tryptophan.
Molecular consequence: missense variant.
Genome position (GRCh38, 1-based): chr4:93,515,346, C>T. VCF-style: chr4-93515346-C-T. GRCh37 (hg19) VCF-style: chr4-94436497-C-T.
Other names: c.1843C>T, p.Arg615Trp (NM_001286838.1); short protein forms R710W, R615W.
Identifiers: ClinVar variation 427806 (VCV000427806.4), dbSNP rs750331613, ClinGen allele CA3012457.